The following is an entry in ClinVar:

ClinVar aggregate classification (germline): Uncertain significance (1 of 4 stars; one submission).

Conditions:
Cardiovascular phenotype. Identifiers: MedGen CN230736.

Submission:

Ambry Genetics
Classification: Uncertain significance for Cardiovascular phenotype. Last evaluated: 2026-03-09. Review status: criteria provided, single submitter. Criteria: Ambry Variant Classification Scheme 2023. Collection method: clinical testing. Allele origin: germline.
Comment: The p.V900A variant (also known as c.2699T>C), located in coding exon 21 of the RASA1 gene, results from a T to C substitution at nucleotide position 2699. The valine at codon 900 is replaced by alanine, an amino acid with similar properties. This amino acid position is conserved. In addition, the in silico prediction for this alteration is inconclusive. Based on the available evidence, the clinical significance of this variant remains unclear.

NM_002890.3(RASA1):c.2699T>C (p.Val900Ala)

Genes: CCNH (cyclin H; minus strand), RASA1 (RAS p21 protein activator 1; plus strand). Cytogenetic location: 5q14.3.
Variant type: single nucleotide variant.
Coding change: c.2699T>C on transcript NM_002890.3 (MANE Select); coding-DNA position 2699, T replaced by C.
Protein change: p.Val900Ala; replaces valine 900 with alanine.
Molecular consequence: missense variant. On other transcripts: intron variant (1).
Genome position (GRCh38, 1-based): chr5:87,383,721, T>C. VCF-style: chr5-87383721-T-C. GRCh37 (hg19) VCF-style: chr5-86679538-T-C.
Other names: c.2168T>C, p.Val723Ala (NM_022650.3); c.933+11323A>G (NM_001364075.2); short protein forms V723A, V900A.
Identifiers: ClinVar variation 4827577 (VCV004827577.1).